The following is an entry in ClinVar:

NM_001042492.3(NF1):c.6277del (p.Ser2093fs)

Gene: NF1 (neurofibromin 1; plus strand). Cytogenetic location: 17q11.2.
Variant type: Deletion.
Coding change: c.6277del on transcript NM_001042492.3 (MANE Select); coding-DNA position 6277, one base deleted (T; older notation c.6277delT).
Protein change: p.Ser2093fs; shifts the reading frame from serine 2093.
Molecular consequence: frameshift variant.
Genome position (GRCh38, 1-based): chr17:31,336,764, T deleted; the last of 2 consecutive T bases (chr17:31,336,763-31,336,764); deleting either gives the same sequence. VCF-style (leftmost placement, unchanged base first): chr17-31336762-AT-A. GRCh37 (hg19) VCF-style: chr17-29663780-AT-A.
Other names: c.6214delT (NM_000267.3); c.6214delT, p.Ser2072Profs (NM_000267.4); short protein forms S2072fs, S2093fs.
Identifiers: ClinVar variation 3237869 (VCV003237869.1), dbSNP rs2508748916.

ClinVar aggregate classification (germline): Pathogenic (1 of 4 stars; one submission).

Conditions:
Hereditary cancer-predisposing syndrome. Also called: Neoplastic Syndromes, Hereditary; Tumor predisposition; Hereditary neoplastic syndrome; Hereditary Cancer Syndrome. Identifiers: Orphanet 140162, MedGen C0027672, MeSH D009386, MONDO:0015356.
Cardiovascular phenotype. Identifiers: MedGen CN230736.

Submission:

Ambry Genetics
Classification: Pathogenic for Cardiovascular phenotype; Hereditary cancer-predisposing syndrome. Last evaluated: 2023-11-16. Review status: criteria provided, single submitter. Criteria: Ambry Variant Classification Scheme 2023. Collection method: clinical testing. Allele origin: germline.
Comment: The c.6214delT pathogenic mutation, located in coding exon 41 of the NF1 gene, results from a deletion of one nucleotide at nucleotide position 6214, causing a translational frameshift with a predicted alternate stop codon (p.S2072Pfs*18). This alteration has been observed in at least one individual with a personal and/or family history that is consistent with NF1-related disease (Ambry internal data). This variant is considered to be rare based on population cohorts in the Genome Aggregation Database (gnomAD). This alteration is expected to result in loss of function by premature protein truncation or nonsense-mediated mRNA decay. As such, this alteration is interpreted as a disease-causing mutation.